The following is an entry in ClinVar:

NM_001943.5(DSG2):c.1880T>C (p.Leu627Ser)

Gene: DSG2 (desmoglein 2; plus strand). Cytogenetic location: 18q12.1.
Variant type: single nucleotide variant.
Coding change: c.1880T>C on transcript NM_001943.5 (MANE Select); coding-DNA position 1880, T replaced by C.
Protein change: p.Leu627Ser; replaces leucine 627 with serine.
Molecular consequence: missense variant.
Genome position (GRCh38, 1-based): chr18:31,541,193, T>C. VCF-style: chr18-31541193-T-C. GRCh37 (hg19) VCF-style: chr18-29121156-T-C.
Other names: short protein forms L627S.
Identifiers: ClinVar variation 2448373 (VCV002448373.2), dbSNP rs749033190, ClinGen allele CA044158.

ClinVar aggregate classification (germline): Uncertain significance (1 of 4 stars; one submission).

Conditions:
Cardiovascular phenotype. Identifiers: MedGen CN230736.

Allele frequency attached by ClinVar (database versions not stated): gnomAD exomes below 0.00001; ExAC 0.00001.
gnomAD v4.1: 1 of 1,614,150 alleles (0.000062%); highest among the groups gnomAD compares: Non-Finnish European, 0.000085%; no homozygotes.

Submission:

Ambry Genetics
Classification: Uncertain significance for Cardiovascular phenotype. Last evaluated: 2022-12-18. Review status: criteria provided, single submitter. Criteria: Ambry Variant Classification Scheme 2023. Collection method: clinical testing. Allele origin: germline.
Comment: The p.L627S variant (also known as c.1880T>C) is located in coding exon 13 of the DSG2 gene. The leucine at codon 627 is replaced by serine, an amino acid with dissimilar properties. This change occurs in the first base pair of coding exon 13. This amino acid position is conserved. In addition, the in silico prediction for this alteration is inconclusive. Since supporting evidence is limited at this time, the clinical significance of this alteration remains unclear.